The following is an entry in ClinVar:

NM_007294.4(BRCA1):c.2561_2565del (p.Ala854fs)

Gene: BRCA1 (BRCA1 DNA repair associated; minus strand). Cytogenetic location: 17q21.31.
Variant type: Deletion.
Coding change: c.2561_2565del on transcript NM_007294.4 (MANE Select); coding-DNA positions 2561 to 2565, 5 bases deleted (CTCAG; older notation c.2561_2565delCTCAG).
Protein change: p.Ala854fs; shifts the reading frame from alanine 854.
Molecular consequence: frameshift variant. On other transcripts: intron variant (137).
Genome position (GRCh38, 1-based): chr17:43,092,966-43,092,970, CTGAG deleted on the plus strand (CTCAG on the coding strand, the reverse complement: BRCA1 is on the minus strand); deleting any 5 consecutive bases within chr17:43,092,966-43,092,971 gives the same sequence; the c. name uses the placement nearest the transcript's 3' end. VCF-style (leftmost placement, unchanged base first): chr17-43092965-ACTGAG-A. GRCh37 (hg19) VCF-style: chr17-41244982-ACTGAG-A.
Other names: 2680del5-ter900; c.2561_2565delCTCAG (NM_007294.3); c.2348_2352del, p.Ala783fs (NM_001407571.1, NM_001407853.1, NM_001407894.1 and 9 more transcripts); c.2561_2565del, p.Ala854fs (NM_001407581.1, NM_001407582.1, NM_001407583.1 and 30 more transcripts); c.2558_2562del, p.Ala853fs (NM_001407587.1, NM_001407590.1, NM_001407591.1 and 22 more transcripts); c.2552_2556del, p.Ala851fs (NM_001407646.1, NM_001407647.1); c.2438_2442del, p.Ala813fs (NM_001407648.1, NM_001407664.1, NM_001407665.1 and 19 more transcripts); c.2435_2439del, p.Ala812fs (NM_001407649.1, NM_001407670.1, NM_001407671.1 and 11 more transcripts); and 43 more; short protein forms A854fs, A807fs, A686fs, A784fs, A786fs, A827fs, A742fs, A765fs.
Identifiers: ClinVar variation 54602 (VCV000054602.10), dbSNP rs397508981, ClinGen allele CA001687.
Genomic context (GRCh38, chr17:43,092,965, plus strand): 5'-CTGGATTTGAAAACGGAGCAAATGACTGGCGCTTTGAAACCTTGAATGTATTCTGCAAAT[ACTGAG>A]CATCAAGTTCACTTTCTTCCATTTCTATGCTTGTTTCCCGACTGTGGTTAACTTCATGTC-3'

ClinVar aggregate classification (germline): Pathogenic. Review status: reviewed by expert panel (3 of 4 stars). 3 submissions from 3 submitters: Pathogenic (1). 2 of the submissions do not count toward it. Last evaluated 2016-10-18.

Conditions:
Hereditary cancer-predisposing syndrome. Also called: Tumor predisposition; Neoplastic Syndromes, Hereditary; Hereditary Cancer Syndrome; Hereditary neoplastic syndrome. Identifiers: Orphanet 140162, MedGen C0027672, MeSH D009386, MONDO:0015356.
Breast-ovarian cancer, familial, susceptibility to, 1 (BROVCA1). Also called: OVARIAN CANCER, SUSCEPTIBILITY TO; BRCA1 Hereditary Breast and Ovarian Cancer. Identifiers: Orphanet 145, MedGen C2676676, MONDO:0011450, OMIM 604370. Disease mechanism: loss of function.

Submissions (3):

Evidence-based Network for the Interpretation of Germline Mutant Alleles (ENIGMA)
Classification: Pathogenic for Breast-ovarian cancer, familial, susceptibility to, 1. Last evaluated: 2016-10-18. Review status: reviewed by expert panel. Criteria: ENIGMA BRCA1/2 Classification Criteria (2015). Collection method: curation. Allele origin: germline.
Comment: Variant allele predicted to encode a truncated non-functional protein.

Color Diagnostics, LLC DBA Color Health
Classification: Pathogenic for Hereditary cancer-predisposing syndrome. Last evaluated: 2020-05-04. Review status: criteria provided, single submitter. Criteria: ACMG Guidelines, 2015. Collection method: clinical testing. Allele origin: germline. Not counted in ClinVar's aggregate classification.
Comment: This variant deletes 5 nucleotides in exon 10 of the BRCA1 gene, creating a frameshift and premature translation stop signal. This variant is expected to result in an absent or non-functional protein product. To our knowledge, this variant has not been reported in individuals affected with hereditary cancer in the literature. This variant has not been identified in the general population by the Genome Aggregation Database (gnomAD). Loss of BRCA1 function is a known mechanism of disease. Based on the available evidence, this variant is classified as Pathogenic.

Consortium of Investigators of Modifiers of BRCA1/2 (CIMBA), c/o University of Cambridge
Classification: Pathogenic for Breast-ovarian cancer, familial, susceptibility to, 1. Last evaluated: 2015-10-02. Review status: criteria provided, single submitter. Criteria: CIMBA Mutation Classification guidelines May 2016. Collection method: clinical testing. Allele origin: germline. Not counted in ClinVar's aggregate classification.